The following is an entry in ClinVar:

ClinVar aggregate classification (germline): Pathogenic (1 of 4 stars; one submission).

Conditions:
Walker-Warburg congenital muscular dystrophy. Also called: Muscular dystrophy-dystroglycanopathy, type A; Walker-Warburg syndrome. Identifiers: Orphanet 899, MedGen C0265221, MONDO:0000171.

Submission:

Labcorp Genetics (formerly Invitae), Labcorp
Classification: Pathogenic for Walker-Warburg congenital muscular dystrophy. Last evaluated: 2024-06-08. Review status: criteria provided, single submitter. Criteria: Invitae Variant Classification Sherloc (09022015). Collection method: clinical testing. Allele origin: germline.
Comment: This sequence change creates a premature translational stop signal (p.Gly226*) in the FKTN gene. It is expected to result in an absent or disrupted protein product. Loss-of-function variants in FKTN are known to be pathogenic (PMID: 17044012, 17878207, 18752264). This variant is not present in population databases (gnomAD no frequency). This variant has not been reported in the literature in individuals affected with FKTN-related conditions. For these reasons, this variant has been classified as Pathogenic.

Literature cited by the submitters: PubMed 17044012; PubMed 17878207; PubMed 18752264.

NM_001079802.2(FKTN):c.676G>T (p.Gly226Ter)

Gene: FKTN (fukutin; plus strand). Cytogenetic location: 9q31.2.
Variant type: single nucleotide variant.
Coding change: c.676G>T on transcript NM_001079802.2 (MANE Select); coding-DNA position 676, G replaced by T.
Protein change: p.Gly226Ter; replaces glycine 226 with a stop codon.
Molecular consequence: nonsense. On other transcripts: non-coding transcript variant (2).
Genome position (GRCh38, 1-based): chr9:105,607,847, G>T. VCF-style: chr9-105607847-G-T. GRCh37 (hg19) VCF-style: chr9-108370128-G-T.
Other names: c.676G>T, p.Gly226Ter (NM_001198963.2, NM_001351496.2, NM_001351498.2 and 1 more transcripts); c.607G>T, p.Gly203Ter (NM_001351497.2); c.280G>T, p.Gly94Ter (NM_001351499.2, NM_001351500.2, NM_001351501.2 and 1 more transcripts); short protein forms G226*, G203*, G94*.
Identifiers: ClinVar variation 3691087 (VCV003691087.2).